The following is an entry in ClinVar:

ClinVar aggregate classification (germline): Uncertain significance (1 of 4 stars; one submission).

Submission:

Labcorp Genetics (formerly Invitae), Labcorp
Classification: Uncertain significance. Last evaluated: 2024-12-28. Review status: criteria provided, single submitter. Criteria: Invitae Variant Classification Sherloc (09022015). Collection method: clinical testing. Allele origin: germline.
Comment: This sequence change replaces aspartic acid, which is acidic and polar, with glycine, which is neutral and non-polar, at codon 308 of the MICAL1 protein (p.Asp308Gly). This variant is present in population databases (rs779087582, gnomAD 0.006%). This variant has not been reported in the literature in individuals affected with MICAL1-related conditions. An algorithm developed to predict the effect of missense changes on protein structure and function (PolyPhen-2) suggests that this variant is likely to be disruptive. In summary, the available evidence is currently insufficient to determine the role of this variant in disease. Therefore, it has been classified as a Variant of Uncertain Significance.

NM_022765.4(MICAL1):c.866A>G (p.Asp289Gly)

Gene: MICAL1 (microtubule associated monooxygenase, calponin and LIM domain containing 1; minus strand). Cytogenetic location: 6q21.
Variant type: single nucleotide variant.
Coding change: c.866A>G on transcript NM_022765.4 (MANE Select); coding-DNA position 866, A replaced by G.
Protein change: p.Asp289Gly; replaces aspartic acid 289 with glycine.
Molecular consequence: missense variant.
Genome position (GRCh38, 1-based): chr6:109,451,667, T>C on the plus strand (A>G on the coding strand, the complement: MICAL1 is on the minus strand). VCF-style: chr6-109451667-T-C. GRCh37 (hg19) VCF-style: chr6-109772870-T-C.
Other names: c.866A>G, p.Asp289Gly (NM_001159291.2); c.923A>G, p.Asp308Gly (NM_001286613.2); short protein forms D289G, D308G.
Identifiers: ClinVar variation 3728194 (VCV003728194.2).